The following is an entry in ClinVar:

ClinVar aggregate classification (germline): Uncertain significance (1 of 4 stars; one submission).

Conditions:
Pierson syndrome. Also called: MICROCORIA-CONGENITAL NEPHROTIC SYNDROME. Identifiers: Orphanet 2670, MedGen C1836876, MONDO:0012184, OMIM 609049.
LAMB2-related infantile-onset nephrotic syndrome. Also called: Nephrotic Syndrome, type 5; NEPHROTIC SYNDROME, TYPE 5, WITHOUT OCULAR ABNORMALITIES; NEPHROTIC SYNDROME, TYPE 5, WITH OCULAR ABNORMALITIES. Identifiers: Orphanet 306507, MedGen C3280113, MONDO:0013621, OMIM 614199.

Submission:

Labcorp Genetics (formerly Invitae), Labcorp
Classification: Uncertain significance for LAMB2-related infantile-onset nephrotic syndrome; Pierson syndrome. Last evaluated: 2023-11-27. Review status: criteria provided, single submitter. Criteria: Invitae Variant Classification Sherloc (09022015). Collection method: clinical testing. Allele origin: germline.
Comment: This sequence change replaces isoleucine, which is neutral and non-polar, with valine, which is neutral and non-polar, at codon 228 of the LAMB2 protein (p.Ile228Val). This variant is not present in population databases (gnomAD no frequency). This variant has not been reported in the literature in individuals affected with LAMB2-related conditions. ClinVar contains an entry for this variant (Variation ID: 2070737). Algorithms developed to predict the effect of missense changes on protein structure and function output the following: SIFT: "Not Available"; PolyPhen-2: "Possibly Damaging"; Align-GVGD: "Not Available". The valine amino acid residue is found in multiple mammalian species, which suggests that this missense change does not adversely affect protein function. In summary, the available evidence is currently insufficient to determine the role of this variant in disease. Therefore, it has been classified as a Variant of Uncertain Significance.

NM_002292.4(LAMB2):c.682A>G (p.Ile228Val)

Gene: LAMB2 (laminin subunit beta 2; minus strand). Cytogenetic location: 3p21.31.
Variant type: single nucleotide variant.
Coding change: c.682A>G on transcript NM_002292.4 (MANE Select); coding-DNA position 682, A replaced by G.
Protein change: p.Ile228Val; replaces isoleucine 228 with valine.
Molecular consequence: missense variant.
Genome position (GRCh38, 1-based): chr3:49,131,409, T>C on the plus strand (A>G on the coding strand, the complement: LAMB2 is on the minus strand). VCF-style: chr3-49131409-T-C. GRCh37 (hg19) VCF-style: chr3-49168842-T-C.
Other names: short protein forms I228V.
Identifiers: ClinVar variation 2070737 (VCV002070737.4), dbSNP rs2472556955, ClinGen allele CA352749233.